The following is an entry in ClinVar:

ClinVar aggregate classification (germline): Uncertain significance. Review status: criteria provided, multiple submitters, no conflicts (2 of 4 stars). 3 submissions from 3 submitters: Uncertain significance (2). 1 of the submissions does not count toward it. Last evaluated 2026-01-05.

Conditions:
Hypertrophic cardiomyopathy. Also called: HYPERTROPHIC MYOCARDIOPATHY. Identifiers: Orphanet 217569, MedGen C0007194, MeSH D002312, MONDO:0005045, HP:0001639.
MYOM1-related disorder.

Allele frequency attached by ClinVar (database versions not stated): gnomAD exomes below 0.00001 and 0.00001; ExAC 0.00001; gnomAD 0.00001; TOPMed 0.00003.
gnomAD v4.1: 13 of 1,608,506 alleles (0.00081%); highest among the groups gnomAD compares: East Asian, 0.0089%; no homozygotes.

Submissions (3):

Labcorp Genetics (formerly Invitae), Labcorp
Classification: Uncertain significance for Hypertrophic cardiomyopathy. Last evaluated: 2026-01-05. Review status: criteria provided, single submitter. Criteria: Invitae Variant Classification Sherloc (09022015). Collection method: clinical testing. Allele origin: germline.
Comment: This sequence change replaces tyrosine, which is neutral and polar, with cysteine, which is neutral and slightly polar, at codon 326 of the MYOM1 protein (p.Tyr326Cys). This variant is present in population databases (rs773366188, gnomAD 0.003%). This variant has not been reported in the literature in individuals affected with MYOM1-related conditions. ClinVar contains an entry for this variant (Variation ID: 525006). Invitae Evidence Modeling of protein sequence and biophysical properties (such as structural, functional, and spatial information, amino acid conservation, physicochemical variation, residue mobility, and thermodynamic stability) indicates that this missense variant is expected to disrupt MYOM1 protein function with a positive predictive value of 80%. In summary, the available evidence is currently insufficient to determine the role of this variant in disease. Therefore, it has been classified as a Variant of Uncertain Significance.

Ambry Genetics
Classification: Uncertain significance. Last evaluated: 2023-11-23. Review status: criteria provided, single submitter. Criteria: Ambry Variant Classification Scheme 2023. Collection method: clinical testing. Allele origin: germline.
Comment: The p.Y326C variant (also known as c.977A>G), located in coding exon 5 of the MYOM1 gene, results from an A to G substitution at nucleotide position 977. The tyrosine at codon 326 is replaced by cysteine, an amino acid with highly dissimilar properties. This amino acid position is conserved. In addition, this alteration is predicted to be deleterious by in silico analysis. Since supporting evidence is limited at this time, the clinical significance of this alteration remains unclear.

PreventionGenetics, part of Exact Sciences
Classification: Uncertain significance for MYOM1-related condition. Last evaluated: 2023-10-25. Review status: no assertion criteria provided. Collection method: clinical testing. Allele origin: germline. Not counted in ClinVar's aggregate classification.
Comment: The MYOM1 c.977A>G variant is predicted to result in the amino acid substitution p.Tyr326Cys. To our knowledge, this variant has not been reported in the literature. This variant is reported in 0.0033% of alleles in individuals of South Asian descent in gnomAD. At this time, the clinical significance of this variant is uncertain due to the absence of conclusive functional and genetic evidence.

NM_003803.4(MYOM1):c.977A>G (p.Tyr326Cys)

Gene: MYOM1 (myomesin 1; minus strand). Cytogenetic location: 18p11.31.
Variant type: single nucleotide variant.
Coding change: c.977A>G on transcript NM_003803.4 (MANE Select); coding-DNA position 977, A replaced by G.
Protein change: p.Tyr326Cys; replaces tyrosine 326 with cysteine.
Molecular consequence: missense variant.
Genome position (GRCh38, 1-based): chr18:3,176,087, T>C on the plus strand (A>G on the coding strand, the complement: MYOM1 is on the minus strand). VCF-style: chr18-3176087-T-C. GRCh37 (hg19) VCF-style: chr18-3176085-T-C.
Other names: c.977A>G, p.Tyr326Cys (NM_019856.2); short protein forms Y326C.
Identifiers: ClinVar variation 525006 (VCV000525006.15), dbSNP rs773366188, ClinGen allele CA8875112.